The following is an entry in ClinVar:

NM_002225.5(IVD):c.242G>A (p.Trp81Ter)

Gene: IVD (isovaleryl-CoA dehydrogenase; plus strand). Cytogenetic location: 15q15.1.
Variant type: single nucleotide variant.
Coding change: c.242G>A on transcript NM_002225.5 (MANE Select); coding-DNA position 242, G replaced by A.
Protein change: p.Trp81Ter; replaces tryptophan 81 with a stop codon.
Molecular consequence: nonsense. On other transcripts: non-coding transcript variant (1).
Genome position (GRCh38, 1-based): chr15:40,407,946, G>A. VCF-style: chr15-40407946-G-A. GRCh37 (hg19) VCF-style: chr15-40700145-G-A.
Other names: c.152G>A, p.Trp51Ter (NM_001159508.3); c.194G>A, p.Trp65Ter (NM_001354597.3); c.242G>A, p.Trp81Ter (NM_001354598.3, NM_001354601.3); c.329G>A, p.Trp110Ter (NM_001354599.3, NM_001354600.3); short protein forms W65*, W51*, W81*, W110*.
Identifiers: ClinVar variation 1432608 (VCV001432608.6), dbSNP rs767782379, ClinGen allele CA391745712.

ClinVar aggregate classification (germline): Pathogenic (1 of 4 stars; one submission).

Conditions:
Isovaleryl-CoA dehydrogenase deficiency (IVA). Also called: Isovaleric acidemia; Classic Isovaleric Acidemia; ISOVALERIC ACID CoA DEHYDROGENASE DEFICIENCY; IVD DEFICIENCY. Identifiers: Orphanet 33, MedGen C0268575, MONDO:0009475, OMIM 243500.

Submission:

Labcorp Genetics (formerly Invitae), Labcorp
Classification: Pathogenic for Isovaleryl-CoA dehydrogenase deficiency. Last evaluated: 2021-01-12. Review status: criteria provided, single submitter. Criteria: Invitae Variant Classification Sherloc (09022015). Collection method: clinical testing. Allele origin: germline.
Comment: This variant is not present in population databases (ExAC no frequency). For these reasons, this variant has been classified as Pathogenic. This variant has not been reported in the literature in individuals with IVD-related conditions. This sequence change creates a premature translational stop signal (p.Trp84*) in the IVD gene. It is expected to result in an absent or disrupted protein product. Loss-of-function variants in IVD are known to be pathogenic (PMID: 16602101).

Literature cited by the submitters: PubMed 16602101.